The following is an entry in ClinVar:

ClinVar aggregate classification (germline): Uncertain significance. Review status: criteria provided, multiple submitters, no conflicts (2 of 4 stars). 2 submissions from 2 submitters: Uncertain significance (2). Last evaluated 2024-10-01.

Submissions (2):

GeneDx
Classification: Uncertain significance. Last evaluated: 2024-10-01. Review status: criteria provided, single submitter. Criteria: GeneDx Variant Classification Process June 2021. Collection method: clinical testing. Allele origin: germline. Affected: yes.
Comment: Not observed at significant frequency in large population cohorts (gnomAD); In silico analysis indicates that this missense variant does not alter protein structure/function; Has not been previously published as pathogenic or benign to our knowledge

Labcorp Genetics (formerly Invitae), Labcorp
Classification: Uncertain significance. Last evaluated: 2024-05-30. Review status: criteria provided, single submitter. Criteria: Invitae Variant Classification Sherloc (09022015). Collection method: clinical testing. Allele origin: germline.
Comment: This sequence change replaces serine, which is neutral and polar, with asparagine, which is neutral and polar, at codon 404 of the KDM6B protein (p.Ser404Asn). This variant is not present in population databases (gnomAD no frequency). This variant has not been reported in the literature in individuals affected with KDM6B-related conditions. Experimental studies and prediction algorithms are not available or were not evaluated, and the functional significance of this variant is currently unknown. In summary, the available evidence is currently insufficient to determine the role of this variant in disease. Therefore, it has been classified as a Variant of Uncertain Significance.

NM_001348716.2(KDM6B):c.1211G>A (p.Ser404Asn)

Gene: KDM6B (lysine demethylase 6B; plus strand). Cytogenetic location: 17p13.1.
Variant type: single nucleotide variant.
Coding change: c.1211G>A on transcript NM_001348716.2 (MANE Select); coding-DNA position 1211, G replaced by A.
Protein change: p.Ser404Asn; replaces serine 404 with asparagine.
Molecular consequence: missense variant.
Genome position (GRCh38, 1-based): chr17:7,847,406, G>A. VCF-style: chr17-7847406-G-A. GRCh37 (hg19) VCF-style: chr17-7750724-G-A.
Other names: c.1211G>A (NM_001080424.1); c.1211G>A, p.Ser404Asn (NM_001080424.2); short protein forms S404N.
Identifiers: ClinVar variation 3655079 (VCV003655079.3).